The following is an entry in ClinVar:

NM_002878.4(RAD51D):c.15G>T (p.Arg5Ser)

Genes: RAD51D (RAD51 paralog D; minus strand), RAD51L3-RFFL (RAD51L3-RFFL readthrough; minus strand). Cytogenetic location: 17q12.
Variant type: single nucleotide variant.
Coding change: c.15G>T on transcript NM_002878.4 (MANE Select); coding-DNA position 15, G replaced by T.
Protein change: p.Arg5Ser; replaces arginine 5 with serine.
Molecular consequence: missense variant. On other transcripts: non-coding transcript variant (2).
Genome position (GRCh38, 1-based): chr17:35,119,599, C>A on the plus strand (G>T on the coding strand, the complement: RAD51D is on the minus strand). VCF-style: chr17-35119599-C-A. GRCh37 (hg19) VCF-style: chr17-33446618-C-A.
Other names: c.15G>T, p.Arg5Ser (NM_001142571.2, NM_133629.3); short protein forms R5S.
Identifiers: ClinVar variation 1511764 (VCV001511764.8), dbSNP rs2142480932, ClinGen allele CA399092565.
Genomic context (GRCh38, chr17:35,119,599, plus strand): 5'-GATCCTGTGGCTCCTGAGAAGCTGGATCATCTCCTCGGTAAGGCCAGGGCACAGTCCGAC[C>A]CTGAGCACGCCCATGTTCCCCGCAGGCCGGAACAGCCCCAGGGGGACTGCACGTCACGTG-3'
Protein context (NP_002869.3, residues 1-15): MGVL[Arg5Ser]VGLCPGLTEE

ClinVar aggregate classification (germline): Uncertain significance (1 of 4 stars; one submission).

Conditions:
Breast-ovarian cancer, familial, susceptibility to, 4. Identifiers: Orphanet 145, MedGen C3280345, MONDO:0013669, OMIM 614291.

Allele frequency attached by ClinVar (database versions not stated): gnomAD exomes below 0.00001.
gnomAD v4.1: 1 of 1,611,932 alleles (0.000062%); highest among the groups gnomAD compares: South Asian, 0.0011%; no homozygotes.

Submission:

Labcorp Genetics (formerly Invitae), Labcorp
Classification: Uncertain significance for Breast-ovarian cancer, familial, susceptibility to, 4. Last evaluated: 2025-08-11. Review status: criteria provided, single submitter. Criteria: Invitae Variant Classification Sherloc (09022015). Collection method: clinical testing. Allele origin: germline.
Comment: This sequence change replaces arginine, which is basic and polar, with serine, which is neutral and polar, at codon 5 of the RAD51D protein (p.Arg5Ser). This variant is not present in population databases (gnomAD no frequency). This variant has not been reported in the literature in individuals affected with RAD51D-related conditions. ClinVar contains an entry for this variant (Variation ID: 1511764). An algorithm developed to predict the effect of missense changes on protein structure and function (PolyPhen-2) suggests that this variant is likely to be disruptive. In summary, the available evidence is currently insufficient to determine the role of this variant in disease. Therefore, it has been classified as a Variant of Uncertain Significance.